The following is an entry in ClinVar:

NM_001136239.4(PRDM6):c.1255G>A (p.Val419Ile)

Gene: PRDM6 (PR/SET domain 6; plus strand). Cytogenetic location: 5q23.2.
Variant type: single nucleotide variant.
Coding change: c.1255G>A on transcript NM_001136239.4 (MANE Select); coding-DNA position 1255, G replaced by A.
Protein change: p.Val419Ile; replaces valine 419 with isoleucine.
Molecular consequence: missense variant.
Genome position (GRCh38, 1-based): chr5:123,170,867, G>A. VCF-style: chr5-123170867-G-A. GRCh37 (hg19) VCF-style: chr5-122506561-G-A.
Other names: c.1255G>A (NM_001136239.1); short protein forms V419I.
Identifiers: ClinVar variation 2655662 (VCV002655662.25), dbSNP rs138406807, ClinGen allele CA3386428.
Genomic context (GRCh38, chr5:123,170,867, plus strand): 5'-GACGCCCTGCAGCCCTTCAACAAAAGCAGCAAACTCGCCCCTACCACCCAGCAGCGCTCC[G>A]TTGTTTTCCCCCAGACTCCGTGCAGCAGGAACTTCTCTCTTCTGGATAAGTCTGGGCCCA-3'
Protein context (NP_001129711.1, residues 409-429): KLAPTTQQRS[Val419Ile]VFPQTPCSRN

ClinVar aggregate classification (germline): Benign. Review status: criteria provided, single submitter (1 of 4 stars). 2 submissions from 2 submitters: Benign (1). 1 of the submissions does not count toward it. Last evaluated 2022-07-01.

Conditions:
PRDM6-related disorder. Also called: PRDM6-related condition.

Allele frequency attached by ClinVar (database versions not stated): gnomAD exomes 0.00053; ExAC 0.00110; TOPMed 0.00203; gnomAD 0.00204; ESP Exome Variant Server 0.00219; 1000 Genomes Project 0.00220; 1000 Genomes Project 30x 0.00281.
gnomAD v4.1: 1,054 of 1,552,182 alleles (0.068%); highest among the groups gnomAD compares: African/African-American, 0.58%; 1 homozygote.

Submissions (2):

CeGaT Center for Human Genetics Tuebingen
Classification: Benign. Last evaluated: 2022-07-01. Review status: criteria provided, single submitter. Criteria: CeGaT Center For Human Genetics Tuebingen Variant Classification Criteria Version 2. Collection method: clinical testing. Allele origin: germline. Affected: yes. Observed: 1 variant allele.
Comment: PRDM6: BP4, BS1, BS2

PreventionGenetics, part of Exact Sciences
Classification: Benign for PRDM6-related condition. Last evaluated: 2019-10-01. Review status: no assertion criteria provided. Collection method: clinical testing. Allele origin: germline. Not counted in ClinVar's aggregate classification.
Comment: This variant is classified as benign based on ACMG/AMP sequence variant interpretation guidelines (Richards et al. 2015 PMID: 25741868, with internal and published modifications).